The following is an entry in ClinVar:

ClinVar aggregate classification (germline): Conflicting classifications of pathogenicity. Review status: criteria provided, conflicting classifications (1 of 4 stars). 3 submissions from 3 submitters: Uncertain significance (1); Likely benign (2). Last evaluated 2024-11-06.

Conditions:
Idiopathic generalized epilepsy. Also called: Generalised epilepsy; EIG. Identifiers: MedGen C0270850, MONDO:0005579, OMIM 600669.
Epilepsy, idiopathic generalized, susceptibility to, 13. Also called: EPILEPSY, JUVENILE MYOCLONIC, SUSCEPTIBILITY TO, 5. Identifiers: Orphanet 307, Orphanet 64280, MedGen C4013473, MONDO:0012627, OMIM 611136.
Epilepsy, childhood absence 4 (ECA4). Also called: EPILEPSY, CHILDHOOD ABSENCE, SUSCEPTIBILITY TO, 4. Identifiers: Orphanet 307, MedGen C1970160.

Allele frequency attached by ClinVar (database versions not stated): gnomAD exomes below 0.00001; ExAC 0.00001; ESP Exome Variant Server 0.00008.
gnomAD v4.1: 2 of 1,613,736 alleles (0.00012%); highest among the groups gnomAD compares: East Asian, 0.0022%; no homozygotes.

Submissions (3):

GeneDx
Classification: Uncertain significance. Last evaluated: 2024-11-06. Review status: criteria provided, single submitter. Criteria: GeneDx Variant Classification Process June 2021. Collection method: clinical testing. Allele origin: germline. Affected: yes.
Comment: Has been observed in a cohort of patients with epilepsy but patient specific details nor segregation were provided in this report (PMID: 27622563); Published in vitro functional assays indicate that p.(R147W) alters channel gating but does not reduce current or expression; additional studies are needed to validate the functional effect of this variant in vivo (PMID: 27622563); In silico analysis supports that this missense variant has a deleterious effect on protein structure/function; Not observed at significant frequency in large population cohorts (gnomAD); This variant is associated with the following publications: (PMID: 29273096, 26934580, Manaz2023[Computational], 38014242, 27622563, 37606373, 35937053)

Labcorp Genetics (formerly Invitae), Labcorp
Classification: Likely benign for Epilepsy, childhood absence 4; Epilepsy, idiopathic generalized, susceptibility to, 13; Idiopathic generalized epilepsy. Last evaluated: 2021-05-17. Review status: criteria provided, single submitter. Criteria: Invitae Variant Classification Sherloc (09022015). Collection method: clinical testing. Allele origin: germline.

Center for Pediatric Genomic Medicine, Children's Mercy Hospital and Clinics
Classification: Likely benign. Last evaluated: 2017-08-29. Review status: criteria provided, single submitter. Criteria: ACMG Guidelines, 2015. Collection method: clinical testing. Allele origin: germline.

NM_001127644.2(GABRA1):c.439C>T (p.Arg147Trp)

Gene: GABRA1 (gamma-aminobutyric acid type A receptor subunit alpha1; plus strand). Cytogenetic location: 5q34.
Variant type: single nucleotide variant.
Coding change: c.439C>T on transcript NM_001127644.2 (MANE Select); coding-DNA position 439, C replaced by T.
Protein change: p.Arg147Trp; replaces arginine 147 with tryptophan.
Molecular consequence: missense variant.
Genome position (GRCh38, 1-based): chr5:161,873,300, C>T. VCF-style: chr5-161873300-C-T. GRCh37 (hg19) VCF-style: chr5-161300306-C-T.
Other names: c.439C>T, p.Arg147Trp (NM_000806.5, NM_001127643.2, NM_001127645.2 and 1 more transcripts); short protein forms R147W.
Identifiers: ClinVar variation 445352 (VCV000445352.12), dbSNP rs139163545, ClinGen allele CA3544407.